The following is an entry in ClinVar:

NM_000548.5(TSC2):c.5082del (p.Val1695fs)

Gene: TSC2 (TSC complex subunit 2; plus strand). Cytogenetic location: 16p13.3.
Variant type: Deletion.
Coding change: c.5082del on transcript NM_000548.5 (MANE Select); coding-DNA position 5082, one base deleted (T; older notation c.5082delT).
Protein change: p.Val1695fs; shifts the reading frame from valine 1695.
Molecular consequence: frameshift variant. On other transcripts: non-coding transcript variant (5).
Genome position (GRCh38, 1-based): chr16:2,088,061, T deleted; the last of 2 consecutive T bases (chr16:2,088,060-2,088,061); deleting either gives the same sequence. VCF-style (leftmost placement, unchanged base first): chr16-2088059-CT-C. GRCh37 (hg19) VCF-style: chr16-2138060-CT-C.
Other names: c.4881del, p.Val1628fs (NM_001077183.3); c.5013del, p.Val1672fs (NM_001114382.3); c.4773del, p.Val1592fs (NM_001318827.2); c.4737del, p.Val1580fs (NM_001318829.2); c.4350del, p.Val1451fs (NM_001318831.2); c.4914del, p.Val1639fs (NM_001318832.2); c.4884del, p.Val1629fs (NM_001363528.2); c.4950del, p.Val1651fs (NM_001370404.1); and 26 more; short protein forms V1094fs, V1224fs, V1429fs, V1471fs, V1592fs, V1609fs, V1622fs, V1623fs.
Identifiers: ClinVar variation 2693092 (VCV002693092.3), dbSNP rs2544476516, ClinGen allele CA2697549439.

ClinVar aggregate classification (germline): Pathogenic (1 of 4 stars; one submission).

Conditions:
Tuberous sclerosis 2 (TSC2). Identifiers: Orphanet 805, MedGen C1860707, MONDO:0013199, OMIM 613254.

Submission:

Labcorp Genetics (formerly Invitae), Labcorp
Classification: Pathogenic for Tuberous sclerosis 2. Last evaluated: 2023-11-04. Review status: criteria provided, single submitter. Criteria: Invitae Variant Classification Sherloc (09022015). Collection method: clinical testing. Allele origin: germline.
Comment: This sequence change results in a frameshift in the TSC2 gene (p.Val1695Trpfs*131). While this is not anticipated to result in nonsense mediated decay, it is expected to disrupt the last 113 amino acid(s) of the TSC2 protein and extend the protein by 17 additional amino acid residues. This variant is not present in population databases (gnomAD no frequency). This variant has not been reported in the literature in individuals affected with TSC2-related conditions. This variant disrupts a region of the TSC2 protein in which other variant(s) (p.Phe1803Leufs*42, p.Pro1784Alafs*?) have been determined to be pathogenic (PMID: 9328481, 10205261, 24789117). This suggests that this is a clinically significant region of the protein, and that variants that disrupt it are likely to be disease-causing. For these reasons, this variant has been classified as Pathogenic.

Literature cited by the submitters: PubMed 9328481; PubMed 10205261; PubMed 24789117.